The following is an entry in ClinVar:

ClinVar aggregate classification (germline): Likely pathogenic (1 of 4 stars; one submission).

Conditions:
Mucopolysaccharidosis, MPS-III-C (MPS3C). Also called: MPS IIIC (Sanfilippo Syndrome Type C); SANFILIPPO SYNDROME C; MPS III C; Mucopolysaccharidosis type IIIC (Sanfilippo C); MUCOPOLYSACCHARIDOSIS, TYPE IIIC; mucopolysaccharidosis type 3C. Identifiers: Orphanet 581, Orphanet 79271, MedGen C0086649, MONDO:0009657, OMIM 252930.

Submission:

Natera, Inc.
Classification: Likely pathogenic for Mucopolysaccharidosis type IIIC. Last evaluated: 2025-07-14. Review status: criteria provided, single submitter. Criteria: Natera Variant Classification Schema (03/2026). Collection method: clinical testing. Allele origin: germline.
Comment: The c.1613+2T>G variant in HGSNAT is a canonical splice donor site variant predicted to affect pre-mRNA splicing, which may result in an abnormal transcript and altered protein product. This variant is expected to result in nonsense mediated decay, truncation, or a dysfunctional protein product. This variant is rare in the general population with a frequency below the threshold expected for the associated phenotype(s). Given the available evidence, this variant is classified as Likely Pathogenic.

NM_152419.3(HGSNAT):c.1613+2T>G

Gene: HGSNAT (heparan-alpha-glucosaminide N-acetyltransferase; plus strand). Cytogenetic location: 8p11.21.
Variant type: single nucleotide variant.
Coding change: c.1613+2T>G on transcript NM_152419.3 (MANE Select); the canonical splice donor site of the intron after coding-DNA position 1613, T replaced by G.
Molecular consequence: splice donor variant.
Genome position (GRCh38, 1-based): chr8:43,197,744, T>G. VCF-style: chr8-43197744-T-G. GRCh37 (hg19) VCF-style: chr8-43052887-T-G.
Other names: c.1700+2T>G (NM_001363227.2); c.749+2T>G (NM_001363229.2); c.1421+2T>G (NM_001363228.2).
Identifiers: ClinVar variation 4816867 (VCV004816867.1).
Genomic context (GRCh38, chr8:43,197,744, plus strand): 5'-GTTGCTCTGACGAAGGTTTCTGAAAATGAAGGCTTTATTCCAGTAAACAAAAATCTCTGG[T>G]ATGTATGGAAAAAGCATGATTTTATGGATGACTGTTCATGCTGAAATTGGATTTGTTCCG-3'